The following is an entry in ClinVar:

NM_006017.3(PROM1):c.1378G>A (p.Val460Met)

Gene: PROM1 (prominin 1; minus strand). Cytogenetic location: 4p15.32.
Variant type: single nucleotide variant.
Coding change: c.1378G>A on transcript NM_006017.3 (MANE Select); coding-DNA position 1378, G replaced by A.
Protein change: p.Val460Met; replaces valine 460 with methionine.
Molecular consequence: missense variant.
Genome position (GRCh38, 1-based): chr4:16,006,614, C>T on the plus strand (G>A on the coding strand, the complement: PROM1 is on the minus strand). VCF-style: chr4-16006614-C-T. GRCh37 (hg19) VCF-style: chr4-16008237-C-T.
Other names: c.1351G>A, p.Val451Met (NM_001145847.2, NM_001145848.2, NM_001145851.2 and 4 more transcripts); c.1378G>A (NM_006017.2); c.1378G>A, p.Val460Met (NM_001145849.2, NM_001145850.2); short protein forms V451M, V460M.
Identifiers: ClinVar variation 1010375 (VCV001010375.13), dbSNP rs200142945, ClinGen allele CA2866788.

ClinVar aggregate classification (germline): Uncertain significance. Review status: criteria provided, multiple submitters, no conflicts (2 of 4 stars). 4 submissions from 4 submitters: Uncertain significance (3). 1 of the submissions does not count toward it. Last evaluated 2025-11-13.

Conditions:
Inborn genetic diseases. Identifiers: MedGen C0950123, MeSH D030342.
Retinal dystrophy. Also called: Inherited retinal dystrophy. Identifiers: Orphanet 71862, MedGen C0854723, MeSH D058499, MONDO:0019118, HP:0000556.

Allele frequency attached by ClinVar (database versions not stated): gnomAD exomes 0.00004 and 0.00007; ExAC 0.00012; gnomAD 0.00016; TOPMed 0.00019; 1000 Genomes Project 0.00040; 1000 Genomes Project 30x 0.00062.
gnomAD v4.1: 77 of 1,611,026 alleles (0.0048%); highest among the groups gnomAD compares: African/African-American, 0.048%; no homozygotes.

Submissions (4):

Labcorp Genetics (formerly Invitae), Labcorp
Classification: Uncertain significance. Last evaluated: 2025-11-13. Review status: criteria provided, single submitter. Criteria: Invitae Variant Classification Sherloc (09022015). Collection method: clinical testing. Allele origin: germline.
Comment: This sequence change replaces valine, which is neutral and non-polar, with methionine, which is neutral and non-polar, at codon 460 of the PROM1 protein (p.Val460Met). This variant is present in population databases (rs200142945, gnomAD 0.06%). This variant has not been reported in the literature in individuals affected with PROM1-related conditions. ClinVar contains an entry for this variant (Variation ID: 1010375). Invitae Evidence Modeling of protein sequence and biophysical properties (such as structural, functional, and spatial information, amino acid conservation, physicochemical variation, residue mobility, and thermodynamic stability) indicates that this missense variant is not expected to disrupt PROM1 protein function with a negative predictive value of 80%. In summary, the available evidence is currently insufficient to determine the role of this variant in disease. Therefore, it has been classified as a Variant of Uncertain Significance.

Ambry Genetics
Classification: Uncertain significance for Inborn genetic diseases. Last evaluated: 2025-05-21. Review status: criteria provided, single submitter. Criteria: Ambry Variant Classification Scheme 2023. Collection method: clinical testing. Allele origin: germline.

Blueprint Genetics
Classification: Uncertain significance. Last evaluated: 2024-11-01. Review status: criteria provided, single submitter. Criteria: ACMG Guidelines, 2015. Collection method: clinical testing. Allele origin: germline.

Institute of Human Genetics, Univ. Regensburg, Univ. Regensburg
Classification: Uncertain significance for Retinal dystrophy. Last evaluated: 2023-01-01. Review status: no assertion criteria provided. Criteria: ACMG Guidelines, 2015. Collection method: clinical testing. Allele origin: germline. Affected: yes. Not counted in ClinVar's aggregate classification.